The following is an entry in ClinVar:

ClinVar aggregate classification (germline): Likely benign. Review status: criteria provided, multiple submitters, no conflicts (2 of 4 stars). 2 submissions from 2 submitters: Likely benign (2). Last evaluated 2024-08-31.

Conditions:
Cognitive impairment - coarse facies - heart defects - obesity - pulmonary involvement - short stature - skeletal dysplasia syndrome. Also called: COGNITIVE IMPAIRMENT, COARSE FACIES, HEART DEFECTS, OBESITY, PULMONARY INVOLVEMENT, SHORT STATURE, AND SKELETAL DYSPLASIA; Chops syndrome; AFF4-Related CHOPS Syndrome. Identifiers: Orphanet 444077, MedGen C4085597, MONDO:0014609, OMIM 616368.

Allele frequency attached by ClinVar (database versions not stated): gnomAD exomes 0.00001; ExAC 0.00002; gnomAD 0.00003; TOPMed 0.00003; ESP Exome Variant Server 0.00008.
gnomAD v4.1: 19 of 1,613,748 alleles (0.0012%); highest among the groups gnomAD compares: Non-Finnish European, 0.0014%; no homozygotes.

Submissions (2):

Labcorp Genetics (formerly Invitae), Labcorp
Classification: Likely benign for Cognitive impairment - coarse facies - heart defects - obesity - pulmonary involvement - short stature - skeletal dysplasia syndrome. Last evaluated: 2024-08-31. Review status: criteria provided, single submitter. Criteria: Invitae Variant Classification Sherloc (09022015). Collection method: clinical testing. Allele origin: germline.

CeGaT Center for Human Genetics Tuebingen
Classification: Likely benign. Last evaluated: 2024-02-01. Review status: criteria provided, single submitter. Criteria: CeGaT Center For Human Genetics Tuebingen Variant Classification Criteria Version 2. Collection method: clinical testing. Allele origin: germline. Affected: yes. Observed: 1 variant allele.
Comment: AFF4: BP4

NM_014423.4(AFF4):c.888C>T (p.Thr296=)

Gene: AFF4 (ALF transcription elongation factor 4; minus strand). Cytogenetic location: 5q31.1.
Variant type: single nucleotide variant.
Coding change: c.888C>T on transcript NM_014423.4 (MANE Select); coding-DNA position 888, C replaced by T.
Protein change: p.Thr296=; no amino-acid change (threonine 296 retained).
Molecular consequence: synonymous variant.
Genome position (GRCh38, 1-based): chr5:132,934,177, G>A on the plus strand (C>T on the coding strand, the complement: AFF4 is on the minus strand). VCF-style: chr5-132934177-G-A. GRCh37 (hg19) VCF-style: chr5-132269869-G-A.
Identifiers: ClinVar variation 3025310 (VCV003025310.24), dbSNP rs372765695, ClinGen allele CA3409358.